The following is an entry in ClinVar:

ClinVar aggregate classification (germline): Uncertain significance (1 of 4 stars; one submission).

Conditions:
Spastic paraplegia. Identifiers: MedGen C0037772, HP:0001258.

Submission:

Labcorp Genetics (formerly Invitae), Labcorp
Classification: Uncertain significance for Spastic paraplegia. Last evaluated: 2024-09-19. Review status: criteria provided, single submitter. Criteria: Invitae Variant Classification Sherloc (09022015). Collection method: clinical testing. Allele origin: germline.
Comment: This variant, c.3553_3555del, results in the deletion of 1 amino acid(s) of the L1CAM protein (p.Glu1185del), but otherwise preserves the integrity of the reading frame. This variant is present in population databases (no rsID available, gnomAD 0.001%). This variant has not been reported in the literature in individuals affected with L1CAM-related conditions. Experimental studies and prediction algorithms are not available or were not evaluated, and the functional significance of this variant is currently unknown. In summary, the available evidence is currently insufficient to determine the role of this variant in disease. Therefore, it has been classified as a Variant of Uncertain Significance.

NM_001278116.2(L1CAM):c.3550GAG[1] (p.Glu1185del)

Gene: L1CAM (L1 cell adhesion molecule; minus strand). Cytogenetic location: Xq28.
Variant type: Microsatellite.
Coding change: c.3550GAG[1] on transcript NM_001278116.2 (MANE Select); one copy of the 3-base unit GAG starting at c.3550; the reference has two copies in a row; one copy, 3 bases deleted.
Protein change: p.Glu1185del; deletes glutamic acid 1185.
Genome position (GRCh38, 1-based): chrX:153,862,882-153,862,884, CTC deleted on the plus strand (GAG on the coding strand, the reverse complement: L1CAM is on the minus strand); deleting any 3 consecutive bases within chrX:153,862,882-153,862,887 gives the same sequence; the position shown is the placement nearest the transcript's 3' end. VCF-style (leftmost placement, unchanged base first): chrX-153862881-TCTC-T. GRCh37 (hg19) VCF-style: chrX-153128336-TCTC-T.
Other names: c.3550GAG[1], p.Glu1185del (NM_000425.5); c.3523GAG[1], p.Glu1176del (NM_001143963.2); c.3538GAG[1], p.Glu1181del (NM_024003.3); short protein forms E1176del, E1181del, E1185del.
Identifiers: ClinVar variation 3711820 (VCV003711820.2).